The following is an entry in ClinVar:

ClinVar aggregate classification (germline): Uncertain significance (1 of 4 stars; one submission).

Allele frequency attached by ClinVar (database versions not stated): gnomAD exomes below 0.00001.
gnomAD v4.1: 2 of 1,589,974 alleles (0.00013%); highest among the groups gnomAD compares: Non-Finnish European, 0.00017%; no homozygotes.

Submission:

Labcorp Genetics (formerly Invitae), Labcorp
Classification: Uncertain significance. Last evaluated: 2022-08-16. Review status: criteria provided, single submitter. Criteria: Invitae Variant Classification Sherloc (09022015). Collection method: clinical testing. Allele origin: germline.
Comment: This sequence change replaces leucine, which is neutral and non-polar, with valine, which is neutral and non-polar, at codon 284 of the PEX3 protein (p.Leu284Val). This variant is not present in population databases (gnomAD no frequency). This variant has not been reported in the literature in individuals affected with PEX3-related conditions. ClinVar contains an entry for this variant (Variation ID: 1401614). Algorithms developed to predict the effect of missense changes on protein structure and function are either unavailable or do not agree on the potential impact of this missense change (SIFT: "Tolerated"; PolyPhen-2: "Probably Damaging"; Align-GVGD: "Class C0"). In summary, the available evidence is currently insufficient to determine the role of this variant in disease. Therefore, it has been classified as a Variant of Uncertain Significance.

NM_003630.3(PEX3):c.850T>G (p.Leu284Val)

Gene: PEX3 (peroxisomal biogenesis factor 3; plus strand). Cytogenetic location: 6q24.2.
Variant type: single nucleotide variant.
Coding change: c.850T>G on transcript NM_003630.3 (MANE Select); coding-DNA position 850, T replaced by G.
Protein change: p.Leu284Val; replaces leucine 284 with valine.
Molecular consequence: missense variant.
Genome position (GRCh38, 1-based): chr6:143,479,107, T>G. VCF-style: chr6-143479107-T-G. GRCh37 (hg19) VCF-style: chr6-143800244-T-G.
Other names: short protein forms L284V.
Identifiers: ClinVar variation 1401614 (VCV001401614.3), dbSNP rs2128747459, ClinGen allele CA365886063.